The following is an entry in ClinVar:

ClinVar aggregate classification (germline): Uncertain significance (1 of 4 stars; one submission).

Allele frequency attached by ClinVar (database versions not stated): gnomAD 0.00001.
gnomAD v4.1: 1 of 1,551,506 alleles (0.000064%); highest among the groups gnomAD compares: Non-Finnish European, 0.000087%; no homozygotes.

Submission:

Labcorp Genetics (formerly Invitae), Labcorp
Classification: Uncertain significance. Last evaluated: 2022-05-03. Review status: criteria provided, single submitter. Criteria: Invitae Variant Classification Sherloc (09022015). Collection method: clinical testing. Allele origin: germline.
Comment: This variant has not been reported in the literature in individuals affected with DHX38-related conditions. In summary, the available evidence is currently insufficient to determine the role of this variant in disease. Therefore, it has been classified as a Variant of Uncertain Significance. Algorithms developed to predict the effect of missense changes on protein structure and function (SIFT, PolyPhen-2, Align-GVGD) all suggest that this variant is likely to be tolerated. This variant is not present in population databases (gnomAD no frequency). This sequence change replaces aspartic acid, which is acidic and polar, with glutamic acid, which is acidic and polar, at codon 494 of the DHX38 protein (p.Asp494Glu).

NM_014003.4(DHX38):c.1482T>G (p.Asp494Glu)

Gene: DHX38 (DEAH-box helicase 38; plus strand). Cytogenetic location: 16q22.2.
Variant type: single nucleotide variant.
Coding change: c.1482T>G on transcript NM_014003.4 (MANE Select); coding-DNA position 1482, T replaced by G.
Protein change: p.Asp494Glu; replaces aspartic acid 494 with glutamic acid.
Molecular consequence: missense variant.
Genome position (GRCh38, 1-based): chr16:72,101,595, T>G. VCF-style: chr16-72101595-T-G. GRCh37 (hg19) VCF-style: chr16-72135494-T-G.
Other names: short protein forms D494E.
Identifiers: ClinVar variation 2132622 (VCV002132622.4), dbSNP rs1372902436, ClinGen allele CA396706988.